The following is an entry in ClinVar:

ClinVar aggregate classification (germline): Uncertain significance (1 of 4 stars; one submission).

Conditions:
Spastic paraplegia. Identifiers: MedGen C0037772, HP:0001258.

Submission:

Labcorp Genetics (formerly Invitae), Labcorp
Classification: Uncertain significance for Spastic paraplegia. Last evaluated: 2023-12-09. Review status: criteria provided, single submitter. Criteria: Invitae Variant Classification Sherloc (09022015). Collection method: clinical testing. Allele origin: germline.
Comment: This sequence change replaces lysine, which is basic and polar, with asparagine, which is neutral and polar, at codon 249 of the HSPD1 protein (p.Lys249Asn). This variant is not present in population databases (gnomAD no frequency). This variant has not been reported in the literature in individuals affected with HSPD1-related conditions. Advanced modeling of protein sequence and biophysical properties (such as structural, functional, and spatial information, amino acid conservation, physicochemical variation, residue mobility, and thermodynamic stability) has been performed at Invitae for this missense variant, however the output from this modeling did not meet the statistical confidence thresholds required to predict the impact of this variant on HSPD1 protein function. In summary, the available evidence is currently insufficient to determine the role of this variant in disease. Therefore, it has been classified as a Variant of Uncertain Significance.

NM_002156.5(HSPD1):c.747G>T (p.Lys249Asn)

Gene: HSPD1 (heat shock protein family D (Hsp60) member 1; minus strand). Cytogenetic location: 2q33.1.
Variant type: single nucleotide variant.
Coding change: c.747G>T on transcript NM_002156.5 (MANE Select); coding-DNA position 747, G replaced by T.
Protein change: p.Lys249Asn; replaces lysine 249 with asparagine.
Molecular consequence: missense variant.
Genome position (GRCh38, 1-based): chr2:197,493,446, C>A on the plus strand (G>T on the coding strand, the complement: HSPD1 is on the minus strand). VCF-style: chr2-197493446-C-A. GRCh37 (hg19) VCF-style: chr2-198358170-C-A.
Other names: c.747G>T, p.Lys249Asn (NM_199440.2); short protein forms K249N.
Identifiers: ClinVar variation 2699962 (VCV002699962.3), dbSNP rs2470116164, ClinGen allele CA350201065.
Genomic context (GRCh38, chr2:197,493,446, plus strand): 5'-CTTACGGTGAGCATTGGCAATTTCAAGAGCAGGTACAATGGACTGGATACTAGAAATTTT[C>A]TTTTCACTCAACAGAACATAGGCATCCTGGAATTCACATTTCTGACCTGTAAAAATAATG-3'
Protein context (NP_002147.2, residues 239-259): FQDAYVLLSE[Lys249Asn]KISSIQSIVP